The following is an entry in ClinVar:

NM_006379.5(SEMA3C):c.620C>T (p.Ala207Val)

Gene: SEMA3C (semaphorin 3C; minus strand). Cytogenetic location: 7q21.11.
Variant type: single nucleotide variant.
Coding change: c.620C>T on transcript NM_006379.5 (MANE Select); coding-DNA position 620, C replaced by T.
Protein change: p.Ala207Val; replaces alanine 207 with valine.
Molecular consequence: missense variant.
Genome position (GRCh38, 1-based): chr7:80,805,677, G>A on the plus strand (C>T on the coding strand, the complement: SEMA3C is on the minus strand). VCF-style: chr7-80805677-G-A. GRCh37 (hg19) VCF-style: chr7-80434993-G-A.
Other names: c.674C>T, p.Ala225Val (NM_001350120.2); c.446C>T, p.Ala149Val (NM_001350121.2); c.674C>T (NM_001350120.1); short protein forms A149V, A207V, A225V.
Identifiers: ClinVar variation 2323174 (VCV002323174.3), dbSNP rs769829474, ClinGen allele CA4316380.

ClinVar aggregate classification (germline): Uncertain significance. Review status: criteria provided, multiple submitters, no conflicts (2 of 4 stars). 2 submissions from 2 submitters: Uncertain significance (2). Last evaluated 2025-12-01.

Conditions:
SEMA3C-related disorder. Also called: SEMA3C-related condition.

Allele frequency attached by ClinVar (database versions not stated): gnomAD 0.00002; gnomAD exomes 0.00003; TOPMed 0.00007; ExAC 0.00018.
gnomAD v4.1: 58 of 1,610,650 alleles (0.0036%); highest among the groups gnomAD compares: Middle Eastern, 0.016%; no homozygotes.

Submissions (2):

PreventionGenetics, part of Exact Sciences
Classification: Uncertain significance for SEMA3C-related condition. Last evaluated: 2025-12-01. Review status: criteria provided, single submitter. Criteria: ACMG Guidelines, 2015. Collection method: clinical testing. Allele origin: germline.
Comment: The SEMA3C c.674C>T variant is predicted to result in the amino acid substitution p.Ala225Val. To our knowledge, this variant has not been reported in the literature. This variant is reported in 0.016% of alleles in individuals of African descent in gnomAD. At this time, the clinical significance of this variant is uncertain due to the absence of conclusive functional and genetic evidence.

Ambry Genetics
Classification: Uncertain significance. Last evaluated: 2022-11-07. Review status: criteria provided, single submitter. Criteria: Ambry Variant Classification Scheme 2023. Collection method: clinical testing. Allele origin: germline.